The following is an entry in ClinVar:

NM_001267550.2(TTN):c.56040dup (p.Asp18681fs)

Genes: TTN (titin; minus strand), TTN-AS1 (TTN antisense RNA 1; plus strand). Cytogenetic location: 2q31.2.
Variant type: Duplication.
Coding change: c.56040dup on transcript NM_001267550.2 (MANE Select); coding-DNA position 56040, one base duplicated (A; older notation c.56040dupA).
Protein change: p.Asp18681fs; shifts the reading frame from aspartic acid 18681.
Molecular consequence: frameshift variant.
Genome position (GRCh38, 1-based): chr2:178,600,864, T duplicated on the plus strand (A on the coding strand, the reverse complement: TTN is on the minus strand); the first of 3 consecutive T bases (chr2:178,600,864-178,600,866); duplicating any one gives the same sequence. VCF-style (leftmost placement, unchanged base first): chr2-178600863-C-CT. GRCh37 (hg19) VCF-style: chr2-179465590-C-CT.
Other names: c.48336dup, p.Asp16113fs (NM_133378.4); c.29220dup, p.Asp9741fs (NM_133432.3); c.29421dup, p.Asp9808fs (NM_133437.4); c.51117dup, p.Asp17040fs (NM_001256850.1); c.28845dup, p.Asp9616fs (NM_003319.4); short protein forms D16113fs, D17040fs, D18681fs, D9616fs, D9741fs, D9808fs.
Identifiers: ClinVar variation 3382758 (VCV003382758.7).

ClinVar aggregate classification (germline): Pathogenic/Likely pathogenic. Review status: criteria provided, multiple submitters, no conflicts (2 of 4 stars). 3 submissions from 3 submitters: Pathogenic (1); Likely pathogenic (2). Last evaluated 2025-11-28.

Conditions:
Autosomal recessive limb-girdle muscular dystrophy type 2J (LGMDR10). Also called: MUSCULAR DYSTROPHY, LIMB-GIRDLE, AUTOSOMAL RECESSIVE 10; Limb-girdle muscular dystrophy, type 2J. Identifiers: Orphanet 140922, MedGen C1837342, MONDO:0012127, OMIM 608807.
Dilated cardiomyopathy 1G (CMD1G). Identifiers: Orphanet 154, MedGen C1858763, MONDO:0011400, OMIM 604145.
Hypertrophic cardiomyopathy 9. Also called: Familial hypertrophic cardiomyopathy 9. Identifiers: MedGen C1861065, MONDO:0013412, OMIM 613765.
Tibial muscular dystrophy (TMD). Also called: Udd Distal Myopathy – Tibial Muscular Dystrophy; UDD MYOPATHY; Tibial muscular dystrophy, tardive. Identifiers: Orphanet 609, MedGen C1838244, MONDO:0010870, OMIM 600334.
Early-onset myopathy with fatal cardiomyopathy (CMYO5). Also called: CONGENITAL MYOPATHY 5 WITH CARDIOMYOPATHY; Salih Myopathy. Identifiers: Orphanet 289377, MedGen C2673677, MONDO:0012714, OMIM 611705. Disease mechanism: loss of function.
Myopathy, myofibrillar, 9, with early respiratory failure (MFM9). Also called: Myopathy, distal, with early respiratory failure, autosomal dominant; Hereditary myopathy with early respiratory failure; EDSTROM MYOPATHY; MYOPATHY, PROXIMAL, WITH EARLY RESPIRATORY MUSCLE INVOLVEMENT. Identifiers: Orphanet 178464, Orphanet 34521, MedGen C1863599, MONDO:0011362, OMIM 603689.

Submissions (3):

The Central Laboratory of Birth Defects Prevention and Control, The Affiliated Women and Children's Hospital of Ningbo University
Classification: Likely pathogenic for Early-onset myopathy with fatal cardiomyopathy. Last evaluated: 2025-11-28. Review status: criteria provided, single submitter. Criteria: ACMG Guidelines, 2015. Collection method: clinical testing. Allele origin: maternal. Affected: yes.
Comment: The TTN c.56040dup is a frameshift variant and located in the 288th exon (a total of 363 exons) of NM_001267550.2 transcript. Loss of function is known mechanisms of TTN-related diseases (ClinGen HI value = 3). This variant is located in the A band of TTN. Multiple studies have shown that patients with TTNtv (truncated protein mutation) occurring in the A band or M band region often present more severe DCM and have a poor prognosis (PMID: 29131758, 29131758, 36854701). Not observed at significant frequency in large population cohorts (gnomAD). The TTN c.56040dup has been reported in ClinVar as pathogenic and likely pathogenic (Accession: VCV003382758.6).Therefore, this variant has been classified as Likely Pathogenic.

Labcorp Genetics (formerly Invitae), Labcorp
Classification: Likely pathogenic for Dilated cardiomyopathy 1G; Autosomal recessive limb-girdle muscular dystrophy type 2J. Last evaluated: 2024-12-20. Review status: criteria provided, single submitter. Criteria: Invitae Variant Classification Sherloc (09022015). Collection method: clinical testing. Allele origin: germline.
Comment: This sequence change creates a premature translational stop signal (p.Asp18681Argfs*9) in the TTN gene. While this is not anticipated to result in nonsense mediated decay, it is expected to create a truncated TTN protein. This variant is not present in population databases (gnomAD no frequency). This variant has not been reported in the literature in individuals affected with TTN-related conditions. This variant is located in the A band of TTN (PMID: 25589632). Truncating variants in this region are significantly overrepresented in patients affected with dilated cardiomyopathy (PMID: 25589632). Truncating variants in this region have also been reported in individuals affected with autosomal recessive centronuclear myopathy (PMID: 23975875). In summary, the currently available evidence indicates that the variant is pathogenic, but additional data are needed to prove that conclusively. Therefore, this variant has been classified as Likely Pathogenic.

Juno Genomics, Hangzhou Juno Genomics, Inc
Classification: Pathogenic for Early-onset myopathy with fatal cardiomyopathy; Dilated cardiomyopathy 1G; Hypertrophic cardiomyopathy 9; Autosomal recessive limb-girdle muscular dystrophy type 2J; Myopathy, myofibrillar, 9, with early respiratory failure; Tibial muscular dystrophy. Review status: criteria provided, single submitter. Criteria: ACMG Guidelines, 2015. Collection method: clinical testing. Allele origin: germline. Affected: yes.
Comment: Absent from controls (or at extremely low frequency if recessive) in Genome Aggregation Database, Exome Sequencing Project, 1000 Genomes Project, or Exome Aggregation Consortium.;Null variant in a gene where loss of function (LOF) is a known mechanism of disease.;For recessive disorders, detected in trans with a pathogenic variant.

Literature cited by the submitters: PubMed 29131758 (cited by The Central Laboratory of Birth Defects Prevention and Control, The Affiliated Women and Children's Hospital of Ningbo University); PubMed 36854701 (cited by The Central Laboratory of Birth Defects Prevention and Control, The Affiliated Women and Children's Hospital of Ningbo University); PubMed 25589632 (cited by Labcorp Genetics (formerly Invitae), Labcorp); PubMed 23975875 (cited by Labcorp Genetics (formerly Invitae), Labcorp).